The following is an entry in ClinVar:

NM_001372.4(DNAH9):c.4448T>C (p.Val1483Ala)

Gene: DNAH9 (dynein axonemal heavy chain 9; plus strand). Cytogenetic location: 17p12.
Variant type: single nucleotide variant.
Coding change: c.4448T>C on transcript NM_001372.4 (MANE Select); coding-DNA position 4448, T replaced by C.
Protein change: p.Val1483Ala; replaces valine 1483 with alanine.
Molecular consequence: missense variant.
Genome position (GRCh38, 1-based): chr17:11,690,270, T>C. VCF-style: chr17-11690270-T-C. GRCh37 (hg19) VCF-style: chr17-11593587-T-C.
Other names: short protein forms V1483A.
Identifiers: ClinVar variation 1941889 (VCV001941889.5), dbSNP rs771077974, ClinGen allele CA8395671.

ClinVar aggregate classification (germline): Uncertain significance (1 of 4 stars; one submission).

Allele frequency attached by ClinVar (database versions not stated): ExAC 0.00001; gnomAD exomes 0.00001; gnomAD 0.00002; TOPMed 0.00003.
gnomAD v4.1: 6 of 1,614,048 alleles (0.00037%); highest among the groups gnomAD compares: African/African-American, 0.008%; no homozygotes.

Submission:

Labcorp Genetics (formerly Invitae), Labcorp
Classification: Uncertain significance. Last evaluated: 2024-12-16. Review status: criteria provided, single submitter. Criteria: Invitae Variant Classification Sherloc (09022015). Collection method: clinical testing. Allele origin: germline.
Comment: This sequence change replaces valine, which is neutral and non-polar, with alanine, which is neutral and non-polar, at codon 1483 of the DNAH9 protein (p.Val1483Ala). This variant is present in population databases (rs771077974, gnomAD 0.02%). This variant has not been reported in the literature in individuals affected with DNAH9-related conditions. ClinVar contains an entry for this variant (Variation ID: 1941889). Invitae Evidence Modeling of protein sequence and biophysical properties (such as structural, functional, and spatial information, amino acid conservation, physicochemical variation, residue mobility, and thermodynamic stability) indicates that this missense variant is expected to disrupt DNAH9 protein function with a positive predictive value of 80%. In summary, the available evidence is currently insufficient to determine the role of this variant in disease. Therefore, it has been classified as a Variant of Uncertain Significance.